The following is an entry in ClinVar:

ClinVar aggregate classification (germline): Uncertain significance (1 of 4 stars; one submission).

Allele frequency attached by ClinVar (database versions not stated): gnomAD exomes below 0.00001; gnomAD 0.00001.
gnomAD v4.1: 2 of 1,612,702 alleles (0.00012%); highest among the groups gnomAD compares: East Asian, 0.0045%; no homozygotes.

Submission:

Labcorp Genetics (formerly Invitae), Labcorp
Classification: Uncertain significance. Last evaluated: 2022-07-19. Review status: criteria provided, single submitter. Criteria: Invitae Variant Classification Sherloc (09022015). Collection method: clinical testing. Allele origin: germline.
Comment: This variant has not been reported in the literature in individuals affected with PSMA3-related conditions. In summary, the available evidence is currently insufficient to determine the role of this variant in disease. Therefore, it has been classified as a Variant of Uncertain Significance. Variants that disrupt the consensus splice site are a relatively common cause of aberrant splicing (PMID: 17576681, 9536098). Algorithms developed to predict the effect of sequence changes on RNA splicing suggest that this variant is not likely to affect RNA splicing. ClinVar contains an entry for this variant (Variation ID: 1365934). This variant is present in population databases (no rsID available, gnomAD 0.01%). This sequence change falls in intron 4 of the PSMA3 gene. It does not directly change the encoded amino acid sequence of the PSMA3 protein. It affects a nucleotide within the consensus splice site.

Literature cited by the submitters: PubMed 17576681; PubMed 9536098.

NM_002788.4(PSMA3):c.330+4A>G

Gene: PSMA3 (proteasome 20S subunit alpha 3; plus strand). Cytogenetic location: 14q23.1.
Variant type: single nucleotide variant.
Coding change: c.330+4A>G on transcript NM_002788.4 (MANE Select); 4 bases into the intron after coding-DNA position 330, A replaced by G.
Molecular consequence: intron variant.
Genome position (GRCh38, 1-based): chr14:58,257,850, A>G. VCF-style: chr14-58257850-A-G. GRCh37 (hg19) VCF-style: chr14-58724568-A-G.
Other names: c.330+4A>G (NM_152132.3).
Identifiers: ClinVar variation 1365934 (VCV001365934.6), dbSNP rs767197826, ClinGen allele CA614733044.